The following is an entry in ClinVar:

NM_001363711.2(DUOX2):c.3656G>C (p.Trp1219Ser)

Gene: DUOX2 (dual oxidase 2; minus strand). Cytogenetic location: 15q21.1.
Variant type: single nucleotide variant.
Coding change: c.3656G>C on transcript NM_001363711.2 (MANE Select); coding-DNA position 3656, G replaced by C.
Protein change: p.Trp1219Ser; replaces tryptophan 1219 with serine.
Molecular consequence: missense variant.
Genome position (GRCh38, 1-based): chr15:45,097,651, C>G on the plus strand (G>C on the coding strand, the complement: DUOX2 is on the minus strand). VCF-style: chr15-45097651-C-G. GRCh37 (hg19) VCF-style: chr15-45389849-C-G.
Other names: c.3656G>C, p.Trp1219Ser (NM_014080.5); short protein forms W1219S.
Identifiers: ClinVar variation 3336179 (VCV003336179.2).

ClinVar aggregate classification (germline): Uncertain significance. Review status: criteria provided, multiple submitters, no conflicts (2 of 4 stars). 2 submissions from 2 submitters: Uncertain significance (2). Last evaluated 2025-08-26.

gnomAD v4.1: 6 of 1,614,118 alleles (0.00037%); highest among the groups gnomAD compares: African/African-American, 0.0053%; no homozygotes.

Submissions (2):

Labcorp Genetics (formerly Invitae), Labcorp
Classification: Uncertain significance. Last evaluated: 2025-08-26. Review status: criteria provided, single submitter. Criteria: Invitae Variant Classification Sherloc (09022015). Collection method: clinical testing. Allele origin: germline.
Comment: This sequence change replaces tryptophan, which is neutral and slightly polar, with serine, which is neutral and polar, at codon 1219 of the DUOX2 protein (p.Trp1219Ser). This variant is not present in population databases (gnomAD no frequency). This variant has not been reported in the literature in individuals affected with DUOX2-related conditions. ClinVar contains an entry for this variant (Variation ID: 3336179). Invitae Evidence Modeling of protein sequence and biophysical properties (such as structural, functional, and spatial information, amino acid conservation, physicochemical variation, residue mobility, and thermodynamic stability) indicates that this missense variant is not expected to disrupt DUOX2 protein function with a negative predictive value of 80%. In summary, the available evidence is currently insufficient to determine the role of this variant in disease. Therefore, it has been classified as a Variant of Uncertain Significance.

Women's Health and Genetics/Laboratory Corporation of America, LabCorp
Classification: Uncertain significance. Last evaluated: 2024-05-06. Review status: criteria provided, single submitter. Criteria: LabCorp Variant Classification Summary - May 2015. Collection method: clinical testing. Allele origin: germline.
Comment: Variant summary: DUOX2 c.3656G>C (p.Trp1219Ser) results in a non-conservative amino acid change located in the Ferric reductase transmembrane component-like domain (IPR013130) of the encoded protein sequence. Five of five in-silico tools predict a damaging effect of the variant on protein function. The variant allele was found at a frequency of 4e-06 in 251408 control chromosomes. The available data on variant occurrences in the general population are insufficient to allow any conclusion about variant significance. To our knowledge, no occurrence of c.3656G>C in individuals affected with Thyroid Dyshormonogenesis 6 and no experimental evidence demonstrating its impact on protein function have been reported. No submitters have cited clinical-significance assessments for this variant to ClinVar. Based on the evidence outlined above, the variant was classified as uncertain significance.